The following is an entry in ClinVar:

ClinVar aggregate classification (germline): Uncertain significance (1 of 4 stars; one submission).

Submission:

GeneDx
Classification: Uncertain significance. Last evaluated: 2023-10-13. Review status: criteria provided, single submitter. Criteria: GeneDx Variant Classification Process June 2021. Collection method: clinical testing. Allele origin: germline. Affected: yes.
Comment: Not observed at significant frequency in large population cohorts (gnomAD); In silico analysis supports that this missense variant does not alter protein structure/function; Has not been previously published as pathogenic or benign to our knowledge

NM_015001.3(SPEN):c.7768G>A (p.Val2590Met)

Gene: SPEN (spen family transcriptional repressor; plus strand). Cytogenetic location: 1p36.13.
Variant type: single nucleotide variant.
Coding change: c.7768G>A on transcript NM_015001.3 (MANE Select); coding-DNA position 7768, G replaced by A.
Protein change: p.Val2590Met; replaces valine 2590 with methionine.
Molecular consequence: missense variant.
Genome position (GRCh38, 1-based): chr1:15,934,008, G>A. VCF-style: chr1-15934008-G-A. GRCh37 (hg19) VCF-style: chr1-16260503-G-A.
Other names: short protein forms V2590M.
Identifiers: ClinVar variation 3253063 (VCV003253063.1), dbSNP rs2523090881.